The following is an entry in ClinVar:

ClinVar aggregate classification (germline): Uncertain significance. Review status: criteria provided, multiple submitters, no conflicts (2 of 4 stars). 3 submissions from 3 submitters: Uncertain significance (3). Last evaluated 2025-05-19.

Conditions:
Inborn genetic diseases. Identifiers: MedGen C0950123, MeSH D030342.
Acrocallosal syndrome (ACLS). Also called: HALLUX DUPLICATION, POSTAXIAL POLYDACTYLY, AND ABSENCE OF CORPUS CALLOSUM; Schinzel syndrome 1; Absence of corpus callosum with unusual facial appearance, mental deficiency, duplication of the halluces and polydactyly. Identifiers: Orphanet 36, MedGen C0796147, MONDO:0008708, OMIM 200990.

Allele frequency attached by ClinVar (database versions not stated): TOPMed 0.00003; gnomAD 0.00004; gnomAD exomes 0.00004; ExAC 0.00006.

Submissions (3):

Ambry Genetics
Classification: Uncertain significance for Inborn genetic diseases. Last evaluated: 2025-05-19. Review status: criteria provided, single submitter. Criteria: Ambry Variant Classification Scheme 2023. Collection method: clinical testing. Allele origin: germline.

GeneDx
Classification: Uncertain significance. Last evaluated: 2025-02-26. Review status: criteria provided, single submitter. Criteria: GeneDx Variant Classification Process June 2021. Collection method: clinical testing. Allele origin: germline. Affected: yes.
Comment: Not observed at significant frequency in large population cohorts (gnomAD); In silico analysis supports that this missense variant has a deleterious effect on protein structure/function; Has not been previously published as pathogenic or benign to our knowledge

Labcorp Genetics (formerly Invitae), Labcorp
Classification: Uncertain significance for Acrocallosal syndrome. Last evaluated: 2022-05-20. Review status: criteria provided, single submitter. Criteria: Invitae Variant Classification Sherloc (09022015). Collection method: clinical testing. Allele origin: germline.
Comment: This sequence change replaces lysine, which is basic and polar, with glutamic acid, which is acidic and polar, at codon 864 of the KIF7 protein (p.Lys864Glu). This variant is present in population databases (rs772000394, gnomAD 0.009%). This variant has not been reported in the literature in individuals affected with KIF7-related conditions. Algorithms developed to predict the effect of missense changes on protein structure and function (SIFT, PolyPhen-2, Align-GVGD) all suggest that this variant is likely to be disruptive. In summary, the available evidence is currently insufficient to determine the role of this variant in disease. Therefore, it has been classified as a Variant of Uncertain Significance.

NM_198525.3(KIF7):c.2590A>G (p.Lys864Glu)

Gene: KIF7 (kinesin family member 7; minus strand). Cytogenetic location: 15q26.1.
Variant type: single nucleotide variant.
Coding change: c.2590A>G on transcript NM_198525.3 (MANE Select); coding-DNA position 2590, A replaced by G.
Protein change: p.Lys864Glu; replaces lysine 864 with glutamic acid.
Molecular consequence: missense variant.
Genome position (GRCh38, 1-based): chr15:89,633,688, T>C on the plus strand (A>G on the coding strand, the complement: KIF7 is on the minus strand). VCF-style: chr15-89633688-T-C. GRCh37 (hg19) VCF-style: chr15-90176919-T-C.
Other names: c.2590A>G (NM_198525.2); short protein forms K864E.
Identifiers: ClinVar variation 2066570 (VCV002066570.4), dbSNP rs772000394, ClinGen allele CA7728088.
Genomic context (GRCh38, chr15:89,633,688, plus strand): 5'-GCCGCCAGCTCAGCCTATTGGCCTGGACAGAAGGTCCCCACCCTGCCGTGAGCCTGACCT[T>C]GACGCGGTGCTGCCGCTTGCTCATTTCTGCCTCCAGGCGCCGCTTCTGCTCCGTCTCCTC-3'
Protein context (NP_940927.2, residues 854-874): AEMSKRQHRV[Lys864Glu]ELELKHEQQQ